The following is an entry in ClinVar:

ClinVar aggregate classification (germline): Uncertain significance (1 of 4 stars; one submission).

Submission:

GeneDx
Classification: Uncertain significance. Last evaluated: 2022-03-27. Review status: criteria provided, single submitter. Criteria: GeneDx Variant Classification Process June 2021. Collection method: clinical testing. Allele origin: germline. Affected: yes.
Comment: Not observed at significant frequency in large population cohorts (gnomAD); Frameshift variant predicted to result in protein truncation as the last 244 amino acids are replaced with 98 different amino acids, although loss-of-function variants have not been reported downstream of this position in the protein; Has not been previously published as pathogenic or benign to our knowledge

NM_003392.7(WNT5A):c.408dup (p.Phe137fs)

Gene: WNT5A (Wnt family member 5A; minus strand). Cytogenetic location: 3p14.3.
Variant type: Duplication.
Coding change: c.408dup on transcript NM_003392.7 (MANE Select); coding-DNA position 408, one base duplicated (C; older notation c.408dupC).
Protein change: p.Phe137fs; shifts the reading frame from phenylalanine 137.
Molecular consequence: frameshift variant.
Genome position (GRCh38, 1-based): chr3:55,474,613, G duplicated on the plus strand (C on the coding strand, the reverse complement: WNT5A is on the minus strand); the first of 2 consecutive G bases (chr3:55,474,613-55,474,614); duplicating either gives the same sequence. VCF-style (leftmost placement, unchanged base first): chr3-55474612-A-AG. GRCh37 (hg19) VCF-style: chr3-55508640-A-AG.
Other names: c.363dup, p.Phe122fs (NM_001256105.1, NM_001377271.1, NM_001377272.1); short protein forms F122fs, F137fs.
Identifiers: ClinVar variation 1707897 (VCV001707897.2), dbSNP rs2471286741, ClinGen allele CA2580070335.
Genomic context (GRCh38, chr3:55,474,612, plus strand): 5'-CCTCGCGGCACGCCCGGCTCATGGCGTTCACCACCCCTGCTGCGCTCACCGCGTATGTGA[A>AG]GGCCGTCTCGCGGCTGCCTGTGGGTGAGGACAAGGGATCACTGGCCGCCTGCCTCACGCG-3'